The following is an entry in ClinVar:

ClinVar aggregate classification (germline): Uncertain significance (1 of 4 stars; one submission).

Conditions:
Cardiovascular phenotype. Identifiers: MedGen CN230736.

Submission:

Ambry Genetics
Classification: Uncertain significance for Cardiovascular phenotype. Last evaluated: 2026-08-28. Review status: criteria provided, single submitter. Criteria: Ambry Variant Classification Scheme 2023. Collection method: clinical testing. Allele origin: germline.
Comment: The c.1191+5_1191+8delGAAAinsTG intronic variant, located in intron 12 of the EYA4 gene, results from an in-frame deletion of 4 nucleotides and the insertion of two nucleotides between nucleotide position 1191+ and 1191+8. This nucleotide region is not well conserved in available vertebrate species. In silico splice site analysis predicts that this alteration will not have any significant effect on splicing. Based on the available evidence, the clinical significance of this variant remains unclear.

NM_004100.5(EYA4):c.1191+5_1191+8delinsTG

Gene: EYA4 (EYA transcriptional coactivator and phosphatase 4; plus strand). Cytogenetic location: 6q23.2.
Variant type: Indel.
Coding change: c.1191+5_1191+8delinsTG on transcript NM_004100.5 (MANE Select); bases 5 to 8 of the intron after coding-DNA position 1191, GAAA replaced by TG.
Molecular consequence: intron variant.
Genome position (GRCh38, 1-based): chr6:133,483,120-133,483,123, GAAA replaced by TG. VCF-style: chr6-133483120-GAAA-TG. GRCh37 (hg19) VCF-style: chr6-133804258-GAAA-TG.
Other names: c.1209+5_1209+8delinsTG (NM_001301013.2); c.1191+5_1191+8delinsTG (NM_172105.4); c.1122+5_1122+8delinsTG (NM_001370458.1, NM_172103.4); c.1047+5_1047+8delinsTG (NM_001370459.1); c.1029+5_1029+8delinsTG (NM_001301012.2).
Identifiers: ClinVar variation 2448316 (VCV002448316.3), dbSNP rs2534879204, ClinGen allele CA2580075034.